The following is an entry in ClinVar:

ClinVar aggregate classification (germline): Uncertain significance. Review status: criteria provided, multiple submitters, no conflicts (2 of 4 stars). 2 submissions from 2 submitters: Uncertain significance (2). Last evaluated 2026-04-01.

Submissions (2):

GeneDx
Classification: Uncertain significance. Last evaluated: 2026-04-01. Review status: criteria provided, single submitter. Criteria: GeneDx Variant Classification Process June 2021. Collection method: clinical testing. Allele origin: germline.
Comment: Not observed at significant frequency in large population cohorts (gnomAD); In silico analysis supports that this missense variant has a deleterious effect on protein structure/function; Has not been previously published as pathogenic or benign to our knowledge

CeGaT Center for Human Genetics Tuebingen
Classification: Uncertain significance. Last evaluated: 2024-01-01. Review status: criteria provided, single submitter. Criteria: CeGaT Center For Human Genetics Tuebingen Variant Classification Criteria Version 2. Collection method: clinical testing. Allele origin: germline. Affected: yes. Observed: 2 variant alleles.
Comment: KDM6A: PM2

NM_001291415.2(KDM6A):c.2140T>C (p.Ser714Pro)

Gene: KDM6A (lysine demethylase 6A; plus strand). Cytogenetic location: Xp11.3.
Variant type: single nucleotide variant.
Coding change: c.2140T>C on transcript NM_001291415.2 (MANE Select); coding-DNA position 2140, T replaced by C.
Protein change: p.Ser714Pro; replaces serine 714 with proline.
Molecular consequence: missense variant. On other transcripts: non-coding transcript variant (1).
Genome position (GRCh38, 1-based): chrX:45,069,639, T>C. VCF-style: chrX-45069639-T-C. GRCh37 (hg19) VCF-style: chrX-44928884-T-C.
Other names: c.1984T>C (NM_021140.2); c.2005T>C, p.Ser669Pro (NM_001291416.2); c.1849T>C, p.Ser617Pro (NM_001291417.2); c.1747T>C, p.Ser583Pro (NM_001291418.2); c.1096T>C, p.Ser366Pro (NM_001291421.2); c.1984T>C, p.Ser662Pro (NM_021140.4); short protein forms S714P, S669P, S366P, S662P, S583P, S617P.
Identifiers: ClinVar variation 624407 (VCV000624407.44), dbSNP rs1569535415, ClinGen allele CA412792228.
Genomic context (GRCh38, chrX:45,069,639, plus strand): 5'-GGGCTTCACAAAGGTCAGAGTTCACATTCGGCAGGTCCTAATGGTGAACGACCTCTCTCT[T>C]CCACTGGGCCTTCCCAGCATCTCCAGGCAGCTGGCTCTGGTATTCAGAATCAGAACGGAC-3'
Protein context (NP_001278344.1, residues 704-724): AGPNGERPLS[Ser714Pro]TGPSQHLQAA